The following is an entry in ClinVar:

ClinVar aggregate classification (germline): Uncertain significance (1 of 4 stars; one submission).

Submission:

Labcorp Genetics (formerly Invitae), Labcorp
Classification: Uncertain significance. Last evaluated: 2025-07-18. Review status: criteria provided, single submitter. Criteria: Invitae Variant Classification Sherloc (09022015). Collection method: clinical testing. Allele origin: germline.
Comment: This variant, c.583_585del, results in the deletion of 1 amino acid(s) of the CIB1 protein (p.Asn195del), but otherwise preserves the integrity of the reading frame. This variant is present in population databases (rs779519559, gnomAD 0.0009%). This variant has not been reported in the literature in individuals affected with CIB1-related conditions. Algorithms developed to predict the effect of sequence changes on RNA splicing suggest that this variant may disrupt the consensus splice site. In summary, the available evidence is currently insufficient to determine the role of this variant in disease. Therefore, it has been classified as a Variant of Uncertain Significance.

NM_006384.4(CIB1):c.461_463delACA (p.Asn155del)

Gene: CIB1 (calcium and integrin binding 1; minus strand). Cytogenetic location: 15q26.1.
Variant type: Deletion.
Coding change: c.461_463delACA on transcript NM_006384.4 (MANE Select); coding-DNA positions 461 to 463, ACA deleted.
Protein change: p.Asn155del; deletes asparagine 155.
Molecular consequence: non-coding transcript variant (on NR_102427.1).
Genome position: GRCh38 VCF-style: chr15-90231094-CGTT-C. GRCh37 (hg19) VCF-style: chr15-90774326-CGTT-C.
Other names: c.581_583delACA, p.Asn195del (NM_001277764.2); short protein forms N195del, N155del.
Identifiers: ClinVar variation 4761684 (VCV004761684.1).